The following is an entry in ClinVar:

NM_000051.4(ATM):c.902-7A>G

Gene: ATM (ATM serine/threonine kinase; plus strand). Cytogenetic location: 11q22.3.
Variant type: single nucleotide variant.
Coding change: c.902-7A>G on transcript NM_000051.4 (MANE Select); 7 bases into the intron before coding-DNA position 902, A replaced by G.
Molecular consequence: intron variant.
Genome position (GRCh38, 1-based): chr11:108,246,957, A>G. VCF-style: chr11-108246957-A-G. GRCh37 (hg19) VCF-style: chr11-108117684-A-G.
Other names: c.902-7A>G (NM_001351834.2).
Identifiers: ClinVar variation 1159309 (VCV001159309.10), dbSNP rs2135264458, ClinGen allele CA2499220554.

ClinVar aggregate classification (germline): Likely benign. Review status: criteria provided, multiple submitters, no conflicts (2 of 4 stars). 2 submissions from 2 submitters: Likely benign (2). Last evaluated 2025-08-03.

Conditions:
Ataxia-telangiectasia syndrome (AT). Also called: Ataxia-telangiectasia, complementation group D; AT, COMPLEMENTATION GROUP C; ATAXIA-TELANGIECTASIA, COMPLEMENTATION GROUP A; ATAXIA-TELANGIECTASIA, FRESNO VARIANT; Cerebello-oculocutaneous telangiectasia; Immunodeficiency with ataxia telangiectasia. Identifiers: Orphanet 100, MedGen C0004135, MONDO:0008840, OMIM 208900.
Familial cancer of breast. Also called: hereditary breast carcinoma; Hereditary breast cancer; BREAST CANCER, FAMILIAL. Identifiers: Orphanet 227535, MedGen C0346153, MONDO:0016419, OMIM 114480. Disease mechanism: loss of function.

Submissions (2):

Labcorp Genetics (formerly Invitae), Labcorp
Classification: Likely benign for Ataxia-telangiectasia syndrome. Last evaluated: 2025-08-03. Review status: criteria provided, single submitter. Criteria: Invitae Variant Classification Sherloc (09022015). Collection method: clinical testing. Allele origin: germline.

Myriad Genetics, Inc.
Classification: Likely benign for Familial cancer of breast. Last evaluated: 2024-04-24. Review status: criteria provided, single submitter. Criteria: Myriad Autosomal Dominant, Autosomal Recessive and X-Linked Classification Criteria (2023). Collection method: clinical testing. Allele origin: unknown.
Comment: This variant is considered likely benign. This variant is intronic and is not expected to impact mRNA splicing.